The following is an entry in ClinVar:

NM_203447.4(DOCK8):c.6167A>C (p.Asn2056Thr)

Gene: DOCK8 (dedicator of cytokinesis 8; plus strand). Cytogenetic location: 9p24.3.
Variant type: single nucleotide variant.
Coding change: c.6167A>C on transcript NM_203447.4 (MANE Select); coding-DNA position 6167, A replaced by C.
Protein change: p.Asn2056Thr; replaces asparagine 2056 with threonine.
Molecular consequence: missense variant.
Genome position (GRCh38, 1-based): chr9:463,615, A>C. VCF-style: chr9-463615-A-C. GRCh37 (hg19) VCF-style: chr9-463615-A-C.
Other names: c.5867A>C, p.Asn1956Thr (NM_001190458.2); c.5963A>C, p.Asn1988Thr (NM_001193536.2); short protein forms N2056T, N1956T, N1988T.
Identifiers: ClinVar variation 1043997 (VCV001043997.7), dbSNP rs1303324976, ClinGen allele CA372751749.

ClinVar aggregate classification (germline): Uncertain significance (1 of 4 stars; one submission).

Conditions:
Combined immunodeficiency due to DOCK8 deficiency (HIES2). Also called: HIES autosomal recessive; HYPER-IgE RECURRENT INFECTION SYNDROME 2, AUTOSOMAL RECESSIVE; HYPER-IgE SYNDROME 2, AUTOSOMAL RECESSIVE, WITH RECURRENT INFECTIONS; DOCK8 Deficiency; Hyper-IgE recurrent infection syndrome, autosomal recessive. Identifiers: Orphanet 217390, MedGen C4722305, MONDO:0009478, OMIM 243700.

Allele frequency attached by ClinVar (database versions not stated): gnomAD exomes 0.00001.

Submission:

Labcorp Genetics (formerly Invitae), Labcorp
Classification: Uncertain significance for Combined immunodeficiency due to DOCK8 deficiency. Last evaluated: 2026-01-06. Review status: criteria provided, single submitter. Criteria: Invitae Variant Classification Sherloc (09022015). Collection method: clinical testing. Allele origin: germline.
Comment: This sequence change replaces asparagine, which is neutral and polar, with threonine, which is neutral and polar, at codon 2056 of the DOCK8 protein (p.Asn2056Thr). This variant is present in population databases (no rsID available, gnomAD 0.007%). This variant has not been reported in the literature in individuals affected with DOCK8-related conditions. ClinVar contains an entry for this variant (Variation ID: 1043997). Invitae Evidence Modeling of protein sequence and biophysical properties (such as structural, functional, and spatial information, amino acid conservation, physicochemical variation, residue mobility, and thermodynamic stability) indicates that this missense variant is not expected to disrupt DOCK8 protein function with a negative predictive value of 80%. In summary, the available evidence is currently insufficient to determine the role of this variant in disease. Therefore, it has been classified as a Variant of Uncertain Significance.